The following is an entry in ClinVar:

ClinVar aggregate classification (germline): Likely benign. Review status: criteria provided, multiple submitters, no conflicts (2 of 4 stars). 3 submissions from 3 submitters: Likely benign (3). Last evaluated 2024-08-28.

Conditions:
Charcot-Marie-Tooth disease type 4. Also called: Charcot-Marie-Tooth disease, type IV; Charcot-Marie-Tooth, Type 4. Identifiers: Orphanet 64749, MedGen C4082197, MONDO:0018995.
Inborn genetic diseases. Identifiers: MedGen C0950123, MeSH D030342.

Allele frequency attached by ClinVar (database versions not stated): gnomAD exomes 0.00001.
gnomAD v4.1: 4 of 1,613,588 alleles (0.00025%); highest among the groups gnomAD compares: Non-Finnish European, 0.00034%; no homozygotes.

Submissions (3):

Labcorp Genetics (formerly Invitae), Labcorp
Classification: Likely benign for Charcot-Marie-Tooth disease type 4. Last evaluated: 2024-08-28. Review status: criteria provided, single submitter. Criteria: Invitae Variant Classification Sherloc (09022015). Collection method: clinical testing. Allele origin: germline.

Ambry Genetics
Classification: Likely benign for Inborn genetic diseases. Last evaluated: 2019-07-11. Review status: criteria provided, single submitter. Criteria: Ambry Variant Classification Scheme 2023. Collection method: clinical testing. Allele origin: germline.

GeneDx
Classification: Likely benign. Last evaluated: 2017-07-10. Review status: criteria provided, single submitter. Criteria: GeneDx Variant Classification (06012015). Collection method: clinical testing. Allele origin: germline. Affected: yes.
Comment: This variant is considered likely benign or benign based on one or more of the following criteria: it is a conservative change, it occurs at a poorly conserved position in the protein, it is predicted to be benign by multiple in silico algorithms, and/or has population frequency not consistent with disease.

NM_181882.3(PRX):c.1680A>C (p.Ser560=)

Gene: PRX (periaxin; minus strand). Cytogenetic location: 19q13.2.
Variant type: single nucleotide variant.
Coding change: c.1680A>C on transcript NM_181882.3 (MANE Select); coding-DNA position 1680, A replaced by C.
Protein change: p.Ser560=; no amino-acid change (serine 560 retained).
Molecular consequence: synonymous variant. On other transcripts: 3 prime UTR variant (1).
Genome position (GRCh38, 1-based): chr19:40,396,672, T>G on the plus strand (A>C on the coding strand, the complement: PRX is on the minus strand). VCF-style: chr19-40396672-T-G. GRCh37 (hg19) VCF-style: chr19-40902579-T-G.
Other names: c.*1885A>C (NM_020956.2).
Identifiers: ClinVar variation 510793 (VCV000510793.7), dbSNP rs1194012098, ClinGen allele CA507679708.